The following is an entry in ClinVar:

NM_000302.4(PLOD1):c.2069G>A (p.Arg690Gln)

Gene: PLOD1 (procollagen-lysine,2-oxoglutarate 5-dioxygenase 1; plus strand). Cytogenetic location: 1p36.22.
Variant type: single nucleotide variant.
Coding change: c.2069G>A on transcript NM_000302.4 (MANE Select); coding-DNA position 2069, G replaced by A.
Protein change: p.Arg690Gln; replaces arginine 690 with glutamine.
Molecular consequence: missense variant.
Genome position (GRCh38, 1-based): chr1:11,974,693, G>A. VCF-style: chr1-11974693-G-A. GRCh37 (hg19) VCF-style: chr1-12034750-G-A.
Other names: c.2210G>A, p.Arg737Gln (NM_001316320.2); short protein forms R690Q, R737Q.
Identifiers: ClinVar variation 292350 (VCV000292350.7), dbSNP rs886045208, ClinGen allele CA10607530.

ClinVar aggregate classification (germline): Uncertain significance. Review status: criteria provided, multiple submitters, no conflicts (2 of 4 stars). 3 submissions from 3 submitters: Uncertain significance (3). Last evaluated 2025-12-07.

Conditions:
Familial thoracic aortic aneurysm and aortic dissection (TAAD). Also called: Thoracic aortic aneurysms and dissections. Identifiers: Orphanet 91387, MedGen C4707243, MONDO:0019625.
Ehlers-Danlos syndrome, kyphoscoliotic type 1 (EDSKSCL1). Also called: EHLERS-DANLOS SYNDROME, TYPE VIA; Ehlers-Danlos syndrome, hydroxylysine-deficient; EHLERS-DANLOS SYNDROME, OCULAR-SCOLIOTIC TYPE; PLOD1-Related Kyphoscoliotic Ehlers-Danlos Syndrome. Identifiers: Orphanet 1900, MedGen C0268342, MONDO:0016002, OMIM 225400. Disease mechanism: loss of function.

Allele frequency attached by ClinVar (database versions not stated): TOPMed below 0.00001.
gnomAD v4.1: 9 of 1,613,878 alleles (0.00056%); highest among the groups gnomAD compares: Non-Finnish European, 0.00068%; no homozygotes.

Submissions (3):

Ambry Genetics
Classification: Uncertain significance for Familial thoracic aortic aneurysm and aortic dissection. Last evaluated: 2025-12-07. Review status: criteria provided, single submitter. Criteria: Ambry Variant Classification Scheme 2023. Collection method: clinical testing. Allele origin: germline.
Comment: The p.R690Q variant (also known as c.2069G>A), located in coding exon 19 of the PLOD1 gene, results from a G to A substitution at nucleotide position 2069. The arginine at codon 690 is replaced by glutamine, an amino acid with highly similar properties. This amino acid position is conserved. In addition, this alteration is predicted to be tolerated by in silico analysis. Based on the available evidence, the clinical significance of this variant remains unclear.

ARUP Laboratories, Molecular Genetics and Genomics, ARUP Laboratories
Classification: Uncertain significance for Ehlers-Danlos syndrome, kyphoscoliotic type 1. Last evaluated: 2023-04-05. Review status: criteria provided, single submitter. Criteria: ARUP Molecular Germline Variant Investigation Process 2024. Collection method: clinical testing. Allele origin: germline.
Comment: The PLOD1 c.2069G>A; p.Arg690Gln variant (rs886045208), to our knowledge, is not reported in the medical literature but is reported in ClinVar (Variation ID: 292350). This variant is absent from the Genome Aggregation Database, indicating it is not a common polymorphism. Computational analyses are uncertain whether this variant is neutral or deleterious (REVEL:0.154). Due to limited information, the clinical significance of this variant is uncertain at this time.

Illumina Laboratory Services, Illumina
Classification: Uncertain significance for Ehlers-Danlos syndrome, kyphoscoliotic type 1. Last evaluated: 2018-01-12. Review status: criteria provided, single submitter. Criteria: ICSL Variant Classification Criteria 13 December 2019. Collection method: clinical testing. Allele origin: germline.